The following is an entry in ClinVar:

ClinVar aggregate classification (germline): Likely benign. Review status: criteria provided, multiple submitters, no conflicts (2 of 4 stars). 3 submissions from 3 submitters: Likely benign (2). 1 of the submissions does not count toward it. Last evaluated 2026-01-27.

Conditions:
COL4A4-related disorder.

gnomAD v4.1: 18 of 1,613,702 alleles (0.0011%); highest among the groups gnomAD compares: Admixed American, 0.028%; no homozygotes.

Submissions (3):

Labcorp Genetics (formerly Invitae), Labcorp
Classification: Likely benign. Last evaluated: 2026-01-27. Review status: criteria provided, single submitter. Criteria: Invitae Variant Classification Sherloc (09022015). Collection method: clinical testing. Allele origin: germline.

GeneDx
Classification: Likely benign. Last evaluated: 2021-05-12. Review status: criteria provided, single submitter. Criteria: GeneDx Variant Classification Process June 2021. Collection method: clinical testing. Allele origin: germline. Affected: yes.

PreventionGenetics, part of Exact Sciences
Classification: Likely benign for COL4A4-related condition. Last evaluated: 2019-06-10. Review status: no assertion criteria provided. Collection method: clinical testing. Allele origin: germline. Not counted in ClinVar's aggregate classification.
Comment: This variant is classified as likely benign based on ACMG/AMP sequence variant interpretation guidelines (Richards et al. 2015 PMID: 25741868, with internal and published modifications).

NM_000092.5(COL4A4):c.3450T>C (p.Pro1150=)

Gene: COL4A4 (collagen type IV alpha 4 chain; minus strand). Cytogenetic location: 2q36.3.
Variant type: single nucleotide variant.
Coding change: c.3450T>C on transcript NM_000092.5 (MANE Select); coding-DNA position 3450, T replaced by C.
Protein change: p.Pro1150=; no amino-acid change (proline 1150 retained).
Molecular consequence: synonymous variant.
Genome position (GRCh38, 1-based): chr2:227,042,203, A>G on the plus strand (T>C on the coding strand, the complement: COL4A4 is on the minus strand). VCF-style: chr2-227042203-A-G. GRCh37 (hg19) VCF-style: chr2-227906919-A-G.
Identifiers: ClinVar variation 1155336 (VCV001155336.12), dbSNP rs751859861, ClinGen allele CA2144530.
Genomic context (GRCh38, chr2:227,042,203, plus strand): 5'-CTTACCTTTTATTCCCGGAGGACCTGGTATCCCTGGATCCCCCTGGAGGCCTCTTGGCCC[A>G]GGGTCTCCCATTTCTCCTGGCTGTCCCCTCAGCCCAGGCATCCCGTGATCACCTGAGGAT-3'
Protein context (NP_000083.3, residues 1140-1160): LRGQPGEMGD[Pro1150=]GPRGLQGDPG